The following is an entry in ClinVar:

NM_017654.4(SAMD9):c.2704C>T (p.Arg902Trp)

Gene: SAMD9 (sterile alpha motif domain containing 9; minus strand). Cytogenetic location: 7q21.2.
Variant type: single nucleotide variant.
Coding change: c.2704C>T on transcript NM_017654.4 (MANE Select); coding-DNA position 2704, C replaced by T.
Protein change: p.Arg902Trp; replaces arginine 902 with tryptophan.
Molecular consequence: missense variant.
Genome position (GRCh38, 1-based): chr7:93,103,394, G>A on the plus strand (C>T on the coding strand, the complement: SAMD9 is on the minus strand). VCF-style: chr7-93103394-G-A. GRCh37 (hg19) VCF-style: chr7-92732707-G-A.
Other names: c.2704C>T, p.Arg902Trp (NM_001193307.2); short protein forms R902W.
Identifiers: ClinVar variation 1468906 (VCV001468906.7), dbSNP rs763861072, ClinGen allele CA4342795.
Genomic context (GRCh38, chr7:93,103,394, plus strand): 5'-CCAGAAAAGAAAAGAGCTTTGCTTCCTTGGTGAAAATATTCTGCCCTTTCAGGATATTCC[G>A]GACCACATTTTCTATGTATTCTTTATTAAAATTGGTTTTCATGATCATAAAGGAATAAAA-3'
Protein context (NP_060124.2, residues 892-912): FNKEYIENVV[Arg902Trp]NILKGQNIFT

ClinVar aggregate classification (germline): Uncertain significance (1 of 4 stars; one submission).

Allele frequency attached by ClinVar (database versions not stated): TOPMed below 0.00001; gnomAD 0.00001; gnomAD exomes 0.00001 and 0.00002; ExAC 0.00002.
gnomAD v4.1: 15 of 1,613,142 alleles (0.00093%); highest among the groups gnomAD compares: Middle Eastern, 0.016%; no homozygotes.

Submission:

Labcorp Genetics (formerly Invitae), Labcorp
Classification: Uncertain significance. Last evaluated: 2024-05-02. Review status: criteria provided, single submitter. Criteria: Invitae Variant Classification Sherloc (09022015). Collection method: clinical testing. Allele origin: germline.
Comment: This sequence change replaces arginine, which is basic and polar, with tryptophan, which is neutral and slightly polar, at codon 902 of the SAMD9 protein (p.Arg902Trp). This variant is present in population databases (rs763861072, gnomAD 0.003%). This missense change has been observed in individual(s) with clinical features of SAMD9-related conditions (PMID: 34621053). ClinVar contains an entry for this variant (Variation ID: 1468906). Advanced modeling of protein sequence and biophysical properties (such as structural, functional, and spatial information, amino acid conservation, physicochemical variation, residue mobility, and thermodynamic stability) has been performed at Invitae for this missense variant, however the output from this modeling did not meet the statistical confidence thresholds required to predict the impact of this variant on SAMD9 protein function. Experimental studies have shown that this missense change affects SAMD9 function (PMID: 34621053). In summary, the available evidence is currently insufficient to determine the role of this variant in disease. Therefore, it has been classified as a Variant of Uncertain Significance.

Literature cited by the submitters: PubMed 34621053.